The following is an entry in ClinVar:

ClinVar aggregate classification (germline): Uncertain significance (0 of 4 stars; one submission).

Conditions:
NKX2-5-related disorder. Also called: NKX2-5-related condition.

Submission:

PreventionGenetics, part of Exact Sciences
Classification: Uncertain significance for NKX2-5-related condition. Last evaluated: 2023-12-20. Review status: no assertion criteria provided. Collection method: clinical testing. Allele origin: germline.
Comment: The NKX2-5 c.103G>A variant is predicted to result in the amino acid substitution p.Ala35Thr. To our knowledge, this variant has not been reported in the literature or in a large population database, indicating this variant is rare. At this time, the clinical significance of this variant is uncertain due to the absence of conclusive functional and genetic evidence.

NM_004387.4(NKX2-5):c.103G>A (p.Ala35Thr)

Gene: NKX2-5 (NK2 homeobox 5; minus strand). Cytogenetic location: 5q35.1.
Variant type: single nucleotide variant.
Coding change: c.103G>A on transcript NM_004387.4 (MANE Select); coding-DNA position 103, G replaced by A.
Protein change: p.Ala35Thr; replaces alanine 35 with threonine.
Molecular consequence: missense variant.
Genome position (GRCh38, 1-based): chr5:173,234,981, C>T on the plus strand (G>A on the coding strand, the complement: NKX2-5 is on the minus strand). VCF-style: chr5-173234981-C-T. GRCh37 (hg19) VCF-style: chr5-172661984-C-T.
Other names: c.103G>A, p.Ala35Thr (NM_001166175.2, NM_001166176.2); short protein forms A35T.
Identifiers: ClinVar variation 3048955 (VCV003048955.2), dbSNP rs2480080369, ClinGen allele CA362163683.